The following is an entry in ClinVar:

ClinVar aggregate classification (germline): Likely benign. Review status: criteria provided, multiple submitters, no conflicts (2 of 4 stars). 3 submissions from 3 submitters: Likely benign (2). 1 of the submissions does not count toward it. Last evaluated 2025-10-21.

Conditions:
PHF21A-related disorder. Also called: PHF21A-related condition.
Intellectual developmental disorder with behavioral abnormalities and craniofacial dysmorphism with or without seizures. Identifiers: MedGen C5231476, MONDO:0032883, OMIM 618725.

gnomAD v4.1: 131 of 1,610,512 alleles (0.0081%); highest among the groups gnomAD compares: African/African-American, 0.004%; no homozygotes.

Submissions (3):

Labcorp Genetics (formerly Invitae), Labcorp
Classification: Likely benign. Last evaluated: 2025-10-21. Review status: criteria provided, single submitter. Criteria: Invitae Variant Classification Sherloc (09022015). Collection method: clinical testing. Allele origin: germline.

Department of Pathology and Laboratory Medicine, Sinai Health System
Classification: Likely benign for Intellectual developmental disorder with behavioral abnormalities and craniofacial dysmorphism with or without seizures. Last evaluated: 2022-06-08. Review status: criteria provided, single submitter. Criteria: ACMG Guidelines, 2015. Collection method: research. Allele origin: germline.

PreventionGenetics, part of Exact Sciences
Classification: Likely benign for PHF21A-related condition. Last evaluated: 2024-05-06. Review status: no assertion criteria provided. Collection method: clinical testing. Allele origin: germline. Not counted in ClinVar's aggregate classification.
Comment: This variant is classified as likely benign based on ACMG/AMP sequence variant interpretation guidelines (Richards et al. 2015 PMID: 25741868, with internal and published modifications).

NM_001352027.3(PHF21A):c.1480G>A (p.Val494Ile)

Gene: PHF21A (PHD finger protein 21A; minus strand). Cytogenetic location: 11p11.2.
Variant type: single nucleotide variant.
Coding change: c.1480G>A on transcript NM_001352027.3 (MANE Select); coding-DNA position 1480, G replaced by A.
Protein change: p.Val494Ile; replaces valine 494 with isoleucine.
Molecular consequence: missense variant. On other transcripts: non-coding transcript variant (2).
Genome position (GRCh38, 1-based): chr11:45,938,285, C>T on the plus strand (G>A on the coding strand, the complement: PHF21A is on the minus strand). VCF-style: chr11-45938285-C-T. GRCh37 (hg19) VCF-style: chr11-45959836-C-T.
Other names: c.1477G>A, p.Val493Ile (NM_001101802.3); c.1480G>A, p.Val494Ile (NM_001352025.3, NM_001352026.3); c.1339G>A, p.Val447Ile (NM_001352028.1, NM_001352029.1, NM_016621.5); c.1336G>A, p.Val446Ile (NM_001352030.3, NM_001352031.3, NM_001352032.3); short protein forms V446I, V447I, V493I, V494I.
Identifiers: ClinVar variation 3354162 (VCV003354162.3).